The following is an entry in ClinVar:

NM_001792.5(CDH2):c.2018C>T (p.Ala673Val)

Gene: CDH2 (cadherin 2; minus strand). Cytogenetic location: 18q12.1.
Variant type: single nucleotide variant.
Coding change: c.2018C>T on transcript NM_001792.5 (MANE Select); coding-DNA position 2018, C replaced by T.
Protein change: p.Ala673Val; replaces alanine 673 with valine.
Molecular consequence: missense variant.
Genome position (GRCh38, 1-based): chr18:27,985,191, G>A on the plus strand (C>T on the coding strand, the complement: CDH2 is on the minus strand). VCF-style: chr18-27985191-G-A. GRCh37 (hg19) VCF-style: chr18-25565155-G-A.
Other names: c.1925C>T, p.Ala642Val (NM_001308176.2); short protein forms A642V, A673V.
Identifiers: ClinVar variation 4772798 (VCV004772798.1).

ClinVar aggregate classification (germline): Uncertain significance (1 of 4 stars; one submission).

Submission:

Labcorp Genetics (formerly Invitae), Labcorp
Classification: Uncertain significance. Last evaluated: 2025-03-16. Review status: criteria provided, single submitter. Criteria: Invitae Variant Classification Sherloc (09022015). Collection method: clinical testing. Allele origin: germline.
Comment: This sequence change replaces alanine, which is neutral and non-polar, with valine, which is neutral and non-polar, at codon 673 of the CDH2 protein (p.Ala673Val). This variant is not present in population databases (gnomAD no frequency). This variant has not been reported in the literature in individuals affected with CDH2-related conditions. An algorithm developed to predict the effect of missense changes on protein structure and function (PolyPhen-2) suggests that this variant is likely to be tolerated. In summary, the available evidence is currently insufficient to determine the role of this variant in disease. Therefore, it has been classified as a Variant of Uncertain Significance.